The following is an entry in ClinVar:

ClinVar aggregate classification (germline): Uncertain significance (1 of 4 stars; one submission).

Conditions:
Diffuse cerebral and cerebellar atrophy - intractable seizures - progressive microcephaly syndrome. Also called: Microcephaly, progressive, with seizures and cerebral and cerebellar atrophy. Identifiers: Orphanet 404437, MedGen C4014239, MONDO:0014335, OMIM 615760.

Allele frequency attached by ClinVar (database versions not stated): TOPMed below 0.00001; gnomAD 0.00001; gnomAD exomes 0.00002 and 0.00004; ExAC 0.00007.
gnomAD v4.1: 15 of 1,610,132 alleles (0.00093%); highest among the groups gnomAD compares: Non-Finnish European, 0.0013%; no homozygotes.

Submission:

Labcorp Genetics (formerly Invitae), Labcorp
Classification: Uncertain significance for Diffuse cerebral and cerebellar atrophy - intractable seizures - progressive microcephaly syndrome. Last evaluated: 2020-11-03. Review status: criteria provided, single submitter. Criteria: Invitae Variant Classification Sherloc (09022015). Collection method: clinical testing. Allele origin: germline.
Comment: This sequence change replaces phenylalanine with leucine at codon 315 of the QARS protein (p.Phe315Leu). The phenylalanine residue is highly conserved and there is a small physicochemical difference between phenylalanine and leucine. This variant is present in population databases (rs779300608, ExAC 0.01%). This variant has not been reported in the literature in individuals with QARS-related conditions. Algorithms developed to predict the effect of missense changes on protein structure and function are either unavailable or do not agree on the potential impact of this missense change (SIFT: "Deleterious"; PolyPhen-2: "Probably Damaging"; Align-GVGD: "Class C15"). In summary, the available evidence is currently insufficient to determine the role of this variant in disease. Therefore, it has been classified as a Variant of Uncertain Significance.

NM_005051.3(QARS1):c.943T>C (p.Phe315Leu)

Gene: QARS1 (glutaminyl-tRNA synthetase 1; minus strand). Cytogenetic location: 3p21.31.
Variant type: single nucleotide variant.
Coding change: c.943T>C on transcript NM_005051.3 (MANE Select); coding-DNA position 943, T replaced by C.
Protein change: p.Phe315Leu; replaces phenylalanine 315 with leucine.
Molecular consequence: missense variant. On other transcripts: non-coding transcript variant (1).
Genome position (GRCh38, 1-based): chr3:49,100,608, A>G on the plus strand (T>C on the coding strand, the complement: QARS1 is on the minus strand). VCF-style: chr3-49100608-A-G. GRCh37 (hg19) VCF-style: chr3-49138041-A-G.
Other names: c.910T>C, p.Phe304Leu (NM_001272073.2); short protein forms F304L, F315L.
Identifiers: ClinVar variation 1470881 (VCV001470881.8), dbSNP rs779300608, ClinGen allele CA2391939.